The following is an entry in ClinVar:

NM_001814.6(CTSC):c.1146C>T (p.His382=)

Gene: CTSC (cathepsin C; minus strand). Cytogenetic location: 11q14.2.
Variant type: single nucleotide variant.
Coding change: c.1146C>T on transcript NM_001814.6 (MANE Select); coding-DNA position 1146, C replaced by T.
Protein change: p.His382=; no amino-acid change (histidine 382 retained).
Molecular consequence: synonymous variant.
Genome position (GRCh38, 1-based): chr11:88,294,252, G>A on the plus strand (C>T on the coding strand, the complement: CTSC is on the minus strand). VCF-style: chr11-88294252-G-A. GRCh37 (hg19) VCF-style: chr11-88027420-G-A.
Other names: c.1146C>T (LRG_50t1).
Identifiers: ClinVar variation 306419 (VCV000306419.55), dbSNP rs45558734, ClinGen allele CA6219767.

ClinVar aggregate classification (germline): Benign/Likely benign. Review status: criteria provided, multiple submitters, no conflicts (2 of 4 stars). 6 submissions from 5 submitters: Benign (1); Likely benign (5). Last evaluated 2026-09-01.

Conditions:
Haim-Munk syndrome (HMS). Also called: KERATOSIS PALMOPLANTARIS WITH PERIODONTOPATHIA AND ONYCHOGRYPOSIS; COCHIN JEWISH DISORDER. Identifiers: Orphanet 2342, MedGen C1855627, MONDO:0009491, OMIM 245010.
Periodontitis, aggressive. Identifiers: MedGen C0031106, MONDO:0980757.
Papillon-Lefèvre syndrome (PALS). Also called: Papillon-Lefevre Disease; KERATOSIS PALMOPLANTARIS WITH PERIODONTOPATHIA. Identifiers: Orphanet 678, MedGen C0030360, MONDO:0009490, OMIM 245000.

Allele frequency attached by ClinVar (database versions not stated): 1000 Genomes Project 30x 0.00109; 1000 Genomes Project 0.00120; gnomAD 0.00196 and 0.00199; TOPMed 0.00213; ESP Exome Variant Server 0.00238; gnomAD exomes 0.00241 and 0.00299; ExAC 0.00254.
gnomAD v4.1: 4,649 of 1,614,044 alleles (0.29%); highest among the groups gnomAD compares: Middle Eastern, 0.36%; 17 homozygotes.

Submissions (6):

CeGaT Center for Human Genetics Tuebingen
Classification: Likely benign. Last evaluated: 2026-09-01. Review status: criteria provided, single submitter. Criteria: CeGaT Center For Human Genetics Tuebingen Variant Classification Criteria Version 2. Collection method: clinical testing. Allele origin: germline. Affected: yes. Observed: 6 variant alleles.
Comment: CTSC: BP4, BS2

Labcorp Genetics (formerly Invitae), Labcorp
Classification: Benign for Haim-Munk syndrome; Periodontitis, aggressive; Papillon-Lefèvre syndrome. Last evaluated: 2026-02-01. Review status: criteria provided, single submitter. Criteria: Invitae Variant Classification Sherloc (09022015). Collection method: clinical testing. Allele origin: germline.

Blueprint Genetics
Classification: Likely benign. Last evaluated: 2024-11-26. Review status: criteria provided, single submitter. Criteria: ACMG Guidelines, 2015. Collection method: clinical testing. Allele origin: germline.

Illumina Laboratory Services, Illumina
Classification: Likely benign for Papillon-Lefèvre syndrome. Last evaluated: 2018-01-12. Review status: criteria provided, single submitter. Criteria: ICSL Variant Classification Criteria 13 December 2019. Collection method: clinical testing. Allele origin: germline.
Comment: This variant was observed in the ICSL laboratory as part of a predisposition screen in an ostensibly healthy population. It had not been previously curated by ICSL or reported in the Human Gene Mutation Database (HGMD: prior to June 1st, 2018), and was therefore a candidate for classification through an automated scoring system. Utilizing variant allele frequency, disease prevalence and penetrance estimates, and inheritance mode, an automated score was calculated to assess if this variant is too frequent to cause the disease. Based on the score and internal cut-off values, a variant classified as likely benign is not then subjected to further curation. The score for this variant resulted in a classification of likely benign for this disease.

Illumina Laboratory Services, Illumina
Classification: Likely benign for Haim-Munk syndrome. Last evaluated: 2018-01-12. Review status: criteria provided, single submitter. Criteria: ICSL Variant Classification Criteria 13 December 2019. Collection method: clinical testing. Allele origin: germline.
Comment: the same text as in the submission from Illumina Laboratory Services, Illumina above.

Breakthrough Genomics
Classification: Likely benign. Review status: criteria provided, single submitter. Criteria: ACMG Guidelines, 2015. Collection method: not provided. Allele origin: germline. Inheritance: Autosomal recessive inheritance. Affected: yes.